The following is an entry in ClinVar:

NM_018117.12(WDR11):c.66C>G (p.His22Gln)

Gene: WDR11 (WD repeat domain 11; plus strand). Cytogenetic location: 10q26.12.
Variant type: single nucleotide variant.
Coding change: c.66C>G on transcript NM_018117.12 (MANE Select); coding-DNA position 66, C replaced by G.
Protein change: p.His22Gln; replaces histidine 22 with glutamine.
Molecular consequence: missense variant.
Genome position (GRCh38, 1-based): chr10:120,851,486, C>G. VCF-style: chr10-120851486-C-G. GRCh37 (hg19) VCF-style: chr10-122610998-C-G.
Other names: c.66C>G (NM_018117.11); short protein forms H22Q.
Identifiers: ClinVar variation 3622382 (VCV003622382.5).

ClinVar aggregate classification (germline): Conflicting classifications of pathogenicity. Review status: criteria provided, conflicting classifications (1 of 4 stars). 4 submissions from 4 submitters: Uncertain significance (3); Likely benign (1). Last evaluated 2026-04-10.

Conditions:
Inborn genetic diseases. Identifiers: MedGen C0950123, MeSH D030342.

gnomAD v4.1: 131 of 1,611,988 alleles (0.0081%); highest among the groups gnomAD compares: African/African-American, 0.15%; no homozygotes.

Submissions (4):

GeneDx
Classification: Uncertain significance. Last evaluated: 2026-04-10. Review status: criteria provided, single submitter. Criteria: GeneDx Variant Classification Process June 2021. Collection method: clinical testing. Allele origin: germline.
Comment: In silico analysis suggests that this missense variant does not alter protein structure/function; Has not been previously published as pathogenic or benign to our knowledge

Ambry Genetics
Classification: Uncertain significance for Inborn genetic diseases. Last evaluated: 2025-08-27. Review status: criteria provided, single submitter. Criteria: Ambry Variant Classification Scheme 2023. Collection method: clinical testing. Allele origin: germline.

Labcorp Genetics (formerly Invitae), Labcorp
Classification: Uncertain significance. Last evaluated: 2024-10-21. Review status: criteria provided, single submitter. Criteria: Invitae Variant Classification Sherloc (09022015). Collection method: clinical testing. Allele origin: germline.
Comment: This sequence change replaces histidine, which is basic and polar, with glutamine, which is neutral and polar, at codon 22 of the WDR11 protein (p.His22Gln). This variant is present in population databases (rs138044064, gnomAD 0.1%). This variant has not been reported in the literature in individuals affected with WDR11-related conditions. An algorithm developed to predict the effect of missense changes on protein structure and function (PolyPhen-2) suggests that this variant is likely to be tolerated. In summary, the available evidence is currently insufficient to determine the role of this variant in disease. Therefore, it has been classified as a Variant of Uncertain Significance.

Blueprint Genetics
Classification: Likely benign. Last evaluated: 2023-12-01. Review status: criteria provided, single submitter. Criteria: ACMG Guidelines, 2015. Collection method: clinical testing. Allele origin: germline.